The following is an entry in ClinVar:

ClinVar aggregate classification (germline): Uncertain significance (1 of 4 stars; one submission).

Conditions:
Familial cancer of breast. Also called: BREAST CANCER, FAMILIAL; Hereditary breast cancer; hereditary breast carcinoma. Identifiers: Orphanet 227535, MedGen C0346153, MONDO:0016419, OMIM 114480. Disease mechanism: loss of function.

gnomAD v4.1: 1 of 1,614,178 alleles (0.000062%); highest among the groups gnomAD compares: East Asian, 0.0022%; no homozygotes.

Submission:

Labcorp Genetics (formerly Invitae), Labcorp
Classification: Uncertain significance for Familial cancer of breast. Last evaluated: 2025-07-10. Review status: criteria provided, single submitter. Criteria: Invitae Variant Classification Sherloc (09022015). Collection method: clinical testing. Allele origin: germline.
Comment: This sequence change replaces serine, which is neutral and polar, with proline, which is neutral and non-polar, at codon 699 of the PALB2 protein (p.Ser699Pro). This variant is not present in population databases (gnomAD no frequency). This variant has not been reported in the literature in individuals affected with PALB2-related conditions. Invitae Evidence Modeling of protein sequence and biophysical properties (such as structural, functional, and spatial information, amino acid conservation, physicochemical variation, residue mobility, and thermodynamic stability) indicates that this missense variant is not expected to disrupt PALB2 protein function with a negative predictive value of 80%. In summary, the available evidence is currently insufficient to determine the role of this variant in disease. Therefore, it has been classified as a Variant of Uncertain Significance.

NM_024675.4(PALB2):c.2095T>C (p.Ser699Pro)

Gene: PALB2 (partner and localizer of BRCA2; minus strand). Cytogenetic location: 16p12.2.
Variant type: single nucleotide variant.
Coding change: c.2095T>C on transcript NM_024675.4 (MANE Select); coding-DNA position 2095, T replaced by C.
Protein change: p.Ser699Pro; replaces serine 699 with proline.
Molecular consequence: missense variant. On other transcripts: intron variant (1).
Genome position (GRCh38, 1-based): chr16:23,630,059, A>G on the plus strand (T>C on the coding strand, the complement: PALB2 is on the minus strand). VCF-style: chr16-23630059-A-G. GRCh37 (hg19) VCF-style: chr16-23641380-A-G.
Other names: c.2035T>C, p.Ser679Pro (NM_001407296.1); c.2095T>C, p.Ser699Pro (NM_001407297.1, NM_001407298.1, NM_001407299.1 and 3 more transcripts); c.1210T>C, p.Ser404Pro (NM_001407304.1, NM_001407305.1, NM_001407306.1 and 5 more transcripts); c.307T>C, p.Ser103Pro (NM_001407312.1, NM_001407313.1); c.49-784T>C (NM_001407314.1); short protein forms S103P, S679P, S404P, S699P.
Identifiers: ClinVar variation 4740502 (VCV004740502.1).